The following is an entry in ClinVar:

NM_000406.3(GNRHR):c.144C>G (p.Leu48=)

Gene: GNRHR (gonadotropin releasing hormone receptor; minus strand). Cytogenetic location: 4q13.2.
Variant type: single nucleotide variant.
Coding change: c.144C>G on transcript NM_000406.3 (MANE Select); coding-DNA position 144, C replaced by G.
Protein change: p.Leu48=; no amino-acid change (leucine 48 retained).
Molecular consequence: synonymous variant.
Genome position (GRCh38, 1-based): chr4:67,754,192, G>C on the plus strand (C>G on the coding strand, the complement: GNRHR is on the minus strand). VCF-style: chr4-67754192-G-C. GRCh37 (hg19) VCF-style: chr4-68619910-G-C.
Other names: c.144C>G, p.Leu48= (NM_001012763.2).
Identifiers: ClinVar variation 785094 (VCV000785094.15), dbSNP rs35400155, ClinGen allele CA2938987.
Genomic context (GRCh38, chr4:67,754,192, plus strand): 5'-CTCTTTCTTCTGTGTCCACTTCTGAAGTTTCAACAAGAAAGAAGCATTAAAGGTCGCAGA[G>C]AGCAGAAAAAGGAAGAAAGTAACCGTCACTCGGATCTTTCCAGACAAGGTCAGAGTGGGG-3'
Protein context (NP_000397.1, residues 38-58): RVTVTFFLFL[Leu48=]SATFNASFLL

ClinVar aggregate classification (germline): Benign/Likely benign. Review status: criteria provided, multiple submitters, no conflicts (2 of 4 stars). 3 submissions from 3 submitters: Benign (1); Likely benign (2). Last evaluated 2025-11-15.

Conditions:
Hypogonadotropic hypogonadism 7 with or without anosmia (HH7). Also called: HYPOGONADOTROPIC HYPOGONADISM 7 WITHOUT ANOSMIA; GNRHR-Related GnRH Deficiency. Identifiers: Orphanet 432, MedGen C0342384, MONDO:0007794, OMIM 146110.

Allele frequency attached by ClinVar (database versions not stated): gnomAD 0.00747 and 0.00800; TOPMed 0.00815; ESP Exome Variant Server 0.00892; 1000 Genomes Project 0.00919; 1000 Genomes Project 30x 0.00953.
gnomAD v4.1: 2,193 of 1,614,128 alleles (0.14%); highest among the groups gnomAD compares: African/African-American, 2.6%; 22 homozygotes.

Submissions (3):

Labcorp Genetics (formerly Invitae), Labcorp
Classification: Benign. Last evaluated: 2025-11-15. Review status: criteria provided, single submitter. Criteria: Invitae Variant Classification Sherloc (09022015). Collection method: clinical testing. Allele origin: germline.

GeneDx
Classification: Likely benign. Last evaluated: 2021-02-25. Review status: criteria provided, single submitter. Criteria: GeneDx Variant Classification Process June 2021. Collection method: clinical testing. Allele origin: germline. Affected: yes.

Illumina Laboratory Services, Illumina
Classification: Likely benign for Hypogonadotropic hypogonadism 7 with or without anosmia. Last evaluated: 2018-01-12. Review status: criteria provided, single submitter. Criteria: ICSL Variant Classification Criteria 13 December 2019. Collection method: clinical testing. Allele origin: germline.
Comment: This variant was observed in the ICSL laboratory as part of a predisposition screen in an ostensibly healthy population. It had not been previously curated by ICSL or reported in the Human Gene Mutation Database (HGMD: prior to June 1st, 2018), and was therefore a candidate for classification through an automated scoring system. Utilizing variant allele frequency, disease prevalence and penetrance estimates, and inheritance mode, an automated score was calculated to assess if this variant is too frequent to cause the disease. Based on the score and internal cut-off values, a variant classified as likely benign is not then subjected to further curation. The score for this variant resulted in a classification of likely benign for this disease.